The following is an entry in ClinVar:

ClinVar aggregate classification (germline): Uncertain significance (1 of 4 stars; one submission).

Conditions:
Primary ciliary dyskinesia. Also called: Ciliary dyskinesia. Identifiers: Orphanet 244, MedGen C0008780, MONDO:0016575, HP:0012265.

Submission:

Labcorp Genetics (formerly Invitae), Labcorp
Classification: Uncertain significance for Primary ciliary dyskinesia. Last evaluated: 2018-11-21. Review status: criteria provided, single submitter. Criteria: Invitae Variant Classification Sherloc (09022015). Collection method: clinical testing. Allele origin: germline.
Comment: In summary, the available evidence is currently insufficient to determine the role of this variant in disease. Therefore, it has been classified as a Variant of Uncertain Significance. Algorithms developed to predict the effect of missense changes on protein structure and function output the following: SIFT: "Tolerated"; PolyPhen-2: "Benign"; Align-GVGD: "Class C0". The lysine amino acid residue is found in multiple mammalian species, suggesting that this missense change does not adversely affect protein function. These predictions have not been confirmed by published functional studies and their clinical significance is uncertain. This variant has not been reported in the literature in individuals with ZMYND10-related disease. This variant is not present in population databases (ExAC no frequency). This sequence change replaces glutamic acid with lysine at codon 424 of the ZMYND10 protein (p.Glu424Lys). The glutamic acid residue is weakly conserved and there is a small physicochemical difference between glutamic acid and lysine.

NM_015896.4(ZMYND10):c.1270G>A (p.Glu424Lys)

Gene: ZMYND10 (zinc finger MYND-type containing 10; minus strand). Cytogenetic location: 3p21.31.
Variant type: single nucleotide variant.
Coding change: c.1270G>A on transcript NM_015896.4 (MANE Select); coding-DNA position 1270, G replaced by A.
Protein change: p.Glu424Lys; replaces glutamic acid 424 with lysine.
Molecular consequence: missense variant.
Genome position (GRCh38, 1-based): chr3:50,341,463, C>T on the plus strand (G>A on the coding strand, the complement: ZMYND10 is on the minus strand). VCF-style: chr3-50341463-C-T. GRCh37 (hg19) VCF-style: chr3-50378894-C-T.
Other names: c.1255G>A, p.Glu419Lys (NM_001308379.2); short protein forms E419K, E424K.
Identifiers: ClinVar variation 658865 (VCV000658865.6), dbSNP rs1575551902, ClinGen allele CA352933744.